The following is an entry in ClinVar:

ClinVar aggregate classification (germline): Uncertain significance (1 of 4 stars; one submission).

Conditions:
RPL5-related disorder. Also called: RPL5-related condition.

Submission:

PreventionGenetics, part of Exact Sciences
Classification: Uncertain significance for RPL5-related condition. Last evaluated: 2024-10-23. Review status: criteria provided, single submitter. Criteria: ACMG Guidelines, 2015. Collection method: clinical testing. Allele origin: germline.
Comment: The RPL5 c.761A>C variant is predicted to result in the amino acid substitution p.Glu254Ala. To our knowledge, this variant has not been reported in the literature or in a large population database (gnomAD), indicating this variant is rare. At this time, the clinical significance of this variant is uncertain due to the absence of conclusive functional and genetic evidence.

NM_000969.5(RPL5):c.761A>C (p.Glu254Ala)

Genes: DIPK1A (divergent protein kinase domain 1A; minus strand), RPL5 (ribosomal protein L5; plus strand). Cytogenetic location: 1p22.1.
Variant type: single nucleotide variant.
Coding change: c.761A>C on transcript NM_000969.5 (MANE Select); coding-DNA position 761, A replaced by C.
Protein change: p.Glu254Ala; replaces glutamic acid 254 with alanine.
Molecular consequence: missense variant. On other transcripts: non-coding transcript variant (1), intron variant (1).
Genome position (GRCh38, 1-based): chr1:92,840,606, A>C. VCF-style: chr1-92840606-A-C. GRCh37 (hg19) VCF-style: chr1-93306163-A-C.
Other names: c.474+6577T>G (NM_001252273.2); short protein forms E254A.
Identifiers: ClinVar variation 5002291 (VCV005002291.1).